The following is an entry in ClinVar:

NM_005445.4(SMC3):c.395G>A (p.Arg132Gln)

Gene: SMC3 (structural maintenance of chromosomes 3; plus strand). Cytogenetic location: 10q25.2.
Variant type: single nucleotide variant.
Coding change: c.395G>A on transcript NM_005445.4 (MANE Select); coding-DNA position 395, G replaced by A.
Protein change: p.Arg132Gln; replaces arginine 132 with glutamine.
Molecular consequence: missense variant.
Genome position (GRCh38, 1-based): chr10:110,578,672, G>A. VCF-style: chr10-110578672-G-A. GRCh37 (hg19) VCF-style: chr10-112338430-G-A.
Other names: short protein forms R132Q.
Identifiers: ClinVar variation 2506635 (VCV002506635.2), dbSNP rs2493107866, ClinGen allele CA378373909.

ClinVar aggregate classification (germline): Uncertain significance (1 of 4 stars; one submission).

Submission:

GeneDx
Classification: Uncertain significance. Last evaluated: 2024-07-15. Review status: criteria provided, single submitter. Criteria: GeneDx Variant Classification Process June 2021. Collection method: clinical testing. Allele origin: germline. Affected: yes.
Comment: Not observed at significant frequency in large population cohorts (gnomAD); In silico analysis supports that this missense variant has a deleterious effect on protein structure/function; Has not been previously published as pathogenic or benign to our knowledge